The following is an entry in ClinVar:

ClinVar aggregate classification (germline): Uncertain significance (1 of 4 stars; one submission).

Allele frequency attached by ClinVar (database versions not stated): 1000 Genomes Project 0.00060; 1000 Genomes Project 30x 0.00062.

Submission:

Labcorp Genetics (formerly Invitae), Labcorp
Classification: Uncertain significance. Last evaluated: 2024-02-24. Review status: criteria provided, single submitter. Criteria: Invitae Variant Classification Sherloc (09022015). Collection method: clinical testing. Allele origin: germline.
Comment: This sequence change replaces valine, which is neutral and non-polar, with isoleucine, which is neutral and non-polar, at codon 3719 of the FAT4 protein (p.Val3719Ile). This variant is present in population databases (rs557732280, gnomAD 0.01%). This variant has not been reported in the literature in individuals affected with FAT4-related conditions. ClinVar contains an entry for this variant (Variation ID: 1481590). Advanced modeling of protein sequence and biophysical properties (such as structural, functional, and spatial information, amino acid conservation, physicochemical variation, residue mobility, and thermodynamic stability) performed at Invitae indicates that this missense variant is not expected to disrupt FAT4 protein function with a negative predictive value of 95%. In summary, the available evidence is currently insufficient to determine the role of this variant in disease. Therefore, it has been classified as a Variant of Uncertain Significance.

NM_001291303.3(FAT4):c.11161G>A (p.Val3721Ile)

Gene: FAT4 (FAT atypical cadherin 4; plus strand). Cytogenetic location: 4q28.1.
Variant type: single nucleotide variant.
Coding change: c.11161G>A on transcript NM_001291303.3 (MANE Select); coding-DNA position 11161, G replaced by A.
Protein change: p.Val3721Ile; replaces valine 3721 with isoleucine.
Molecular consequence: missense variant.
Genome position (GRCh38, 1-based): chr4:125,452,171, G>A. VCF-style: chr4-125452171-G-A. GRCh37 (hg19) VCF-style: chr4-126373326-G-A.
Other names: c.11161G>A, p.Val3721Ile (NM_001291285.3); c.11155G>A, p.Val3719Ile (NM_024582.6); short protein forms V3721I, V3719I.
Identifiers: ClinVar variation 1481590 (VCV001481590.6), dbSNP rs557732280, ClinGen allele CA3073801.